The following is an entry in ClinVar:

NM_001130987.2(DYSF):c.3085+1G>T

Gene: DYSF (dysferlin; plus strand). Cytogenetic location: 2p13.2.
Variant type: single nucleotide variant.
Coding change: c.3085+1G>T on transcript NM_001130987.2 (MANE Select); the canonical splice donor site of the intron after coding-DNA position 3085, G replaced by T.
Molecular consequence: splice donor variant.
Genome position (GRCh38, 1-based): chr2:71,570,335, G>T. VCF-style: chr2-71570335-G-T. GRCh37 (hg19) VCF-style: chr2-71797465-G-T.
Other names: c.3124+1G>T (NM_001130979.2); c.3082+1G>T (NM_001130981.2, NM_001130980.2); c.3031+1G>T (NM_001130978.2, NM_003494.4); c.2989+1G>T (NM_001130977.2, NM_001130976.2); c.3127+1G>T (NM_001130982.2); c.3085+1G>T (NM_001130985.2); c.3034+1G>T (NM_001130983.2, NM_001130455.2); c.2992+1G>T (NM_001130984.2, NM_001130986.2).
Identifiers: ClinVar variation 496640 (VCV000496640.4), dbSNP rs1553555585, ClinGen allele CA347216871.

ClinVar aggregate classification (germline): Likely pathogenic. Review status: criteria provided, multiple submitters, no conflicts (2 of 4 stars). 2 submissions from 2 submitters: Likely pathogenic (2). Last evaluated 2022-12-06.

Conditions:
Miyoshi muscular dystrophy 1 (MMD1). Identifiers: Orphanet 45448, MedGen C4551973, MONDO:0024545, OMIM 254130.
Autosomal recessive limb-girdle muscular dystrophy type 2B (LGMDR2). Also called: MUSCULAR DYSTROPHY, LIMB-GIRDLE, AUTOSOMAL RECESSIVE 2; Limb-Girdle Muscular Dystrophy Type 2B (LGMD2B); MUSCULAR DYSTROPHY, LIMB-GIRDLE, TYPE 3; Limb-girdle muscular dystrophy, type 2B. Identifiers: Orphanet 268, MedGen C1850889, MONDO:0009676, OMIM 253601.

Submissions (2):

Kariminejad - Najmabadi Pathology & Genetics Center
Classification: Likely pathogenic for Miyoshi muscular dystrophy 1; Autosomal recessive limb-girdle muscular dystrophy type 2B. Last evaluated: 2022-12-06. Review status: criteria provided, single submitter. Criteria: ACMG Guidelines, 2015. Collection method: clinical testing. Allele origin: germline. Inheritance: Autosomal recessive inheritance. Affected: yes.
Comment: PVS1-PM2

Tehran Medical Genetics Laboratory
Classification: Likely pathogenic for Autosomal recessive limb-girdle muscular dystrophy type 2B. Last evaluated: 2016-05-31. Review status: criteria provided, single submitter. Criteria: ACMG Guidelines, 2015. Collection method: clinical testing. Allele origin: inherited. Inheritance: Autosomal recessive inheritance. Affected: yes. Observed: 1 variant allele, 1 homozygote.